The following is an entry in ClinVar:

ClinVar aggregate classification (germline): Pathogenic/Likely pathogenic. Review status: criteria provided, multiple submitters, no conflicts (2 of 4 stars). 3 submissions from 3 submitters: Pathogenic (1); Likely pathogenic (2). Last evaluated 2025-06-03.

Conditions:
Intellectual developmental disorder, autosomal dominant 52. Also called: Intellectual disability, autosomal dominant 52; Mental retardation, autosomal dominant 52. Identifiers: MedGen C4540478, MONDO:0030918, OMIM 617796.

Submissions (3):

Variantyx, Inc.
Classification: Likely pathogenic for Intellectual developmental disorder, autosomal dominant 52. Last evaluated: 2025-06-03. Review status: criteria provided, single submitter. Criteria: Variantyx Assertion Criteria 2022. Collection method: clinical testing. Allele origin: de novo. Inheritance: Autosomal dominant inheritance.
Comment: This is a nonsense variant in the ASH1L gene (OMIM: 607999). Pathogenic variants in this gene have been associated with autosomal dominant intellectual developmental disorder 52. This variant introduces a premature termination codon in exon 3 out of 28 and is expected to result in loss of function, which is a known disease mechanism for ASH1L in this disorder (PMID: 29753921) (PVS1). This variant is absent from control populations (PM2_Supporting), and it has not been reported in individuals with ASH1L-related disorders in the databases available for review. Based on the current evidence, this variant is classified as pathogenic for autosomal dominant intellectual developmental disorder 52.

GeneDx
Classification: Pathogenic. Last evaluated: 2024-11-26. Review status: criteria provided, single submitter. Criteria: GeneDx Variant Classification Process June 2021. Collection method: clinical testing. Allele origin: germline. Affected: yes.
Comment: Nonsense variant predicted to result in protein truncation or nonsense mediated decay in a gene for which loss of function is a known mechanism of disease; Not observed at significant frequency in large population cohorts (gnomAD); Has not been previously published as pathogenic or benign to our knowledge

3billion
Classification: Likely pathogenic for Intellectual developmental disorder, autosomal dominant 52. Last evaluated: 2024-09-13. Review status: criteria provided, single submitter. Criteria: ACMG Guidelines, 2015. Collection method: clinical testing. Allele origin: germline. Affected: yes.
Comment: The variant is not observed in the gnomAD v4.0.0 dataset. Predicted Consequence/Location: Stop-gained (nonsense): predicted to result in a loss or disruption of normal protein function through nonsense-mediated decay (NMD) or protein truncation. Multiple pathogenic variants are reported downstream of the variant. Therefore, this variant is classified as Likely pathogenic according to the recommendation of ACMG/AMP guideline.

Literature cited by the submitters: PubMed 29753921 (cited by Variantyx, Inc.).

NM_018489.3(ASH1L):c.2332C>T (p.Arg778Ter)

Gene: ASH1L (ASH1 like histone lysine methyltransferase; minus strand). Cytogenetic location: 1q22.
Variant type: single nucleotide variant.
Coding change: c.2332C>T on transcript NM_018489.3 (MANE Select); coding-DNA position 2332, C replaced by T.
Protein change: p.Arg778Ter; replaces arginine 778 with a stop codon.
Molecular consequence: nonsense.
Genome position (GRCh38, 1-based): chr1:155,480,538, G>A on the plus strand (C>T on the coding strand, the complement: ASH1L is on the minus strand). VCF-style: chr1-155480538-G-A. GRCh37 (hg19) VCF-style: chr1-155450329-G-A.
Other names: c.2332C>T, p.Arg778Ter (NM_001366177.2); short protein forms R778*.
Identifiers: ClinVar variation 3900409 (VCV003900409.3).
Genomic context (GRCh38, chr1:155,480,538, plus strand): 5'-TTTCACTATCAGCTAAGAGAGCAAGAGATGGAGCTGTGGATTTGCTCAACTTTGGCAATC[G>A]GCGTTTAAGGAAGTCATGATCTACAAATGAAGGGGGTCCAATGTTTTTCATAAACTTGGC-3'